The following is an entry in ClinVar:

NM_020247.5(COQ8A):c.1792dup (p.Arg598fs)

Gene: COQ8A (coenzyme Q8A; plus strand). Cytogenetic location: 1q42.13.
Variant type: Duplication.
Coding change: c.1792dup on transcript NM_020247.5 (MANE Select); coding-DNA position 1792, one base duplicated (C; older notation c.1792dupC).
Protein change: p.Arg598fs; shifts the reading frame from arginine 598.
Molecular consequence: frameshift variant.
Genome position (GRCh38, 1-based): chr1:226,986,585, C duplicated; the last of 2 consecutive C bases (chr1:226,986,584-226,986,585); duplicating either gives the same sequence. VCF-style (leftmost placement, unchanged base first): chr1-226986583-A-AC. GRCh37 (hg19) VCF-style: chr1-227174284-A-AC.
Other names: c.1792dup (NM_020247.4); short protein forms R598fs.
Identifiers: ClinVar variation 2852128 (VCV002852128.4), dbSNP rs2528412329, ClinGen allele CA2574145962.

ClinVar aggregate classification (germline): Pathogenic/Likely pathogenic. Review status: criteria provided, multiple submitters, no conflicts (2 of 4 stars). 2 submissions from 2 submitters: Pathogenic (1); Likely pathogenic (1). Last evaluated 2024-09-20.

Submissions (2):

Athena Diagnostics
Classification: Likely pathogenic. Last evaluated: 2024-09-20. Review status: criteria provided, single submitter. Criteria: Athena Diagnostics Criteria. Collection method: clinical testing. Allele origin: unknown.
Comment: This variant has not been reported in large, multi-ethnic general populations. This variant is expected to extend the open reading frame, and is therefore not expected to cause loss of protein expression through nonsense-mediated decay. However, it is expected to disrupt protein function.

Labcorp Genetics (formerly Invitae), Labcorp
Classification: Pathogenic. Last evaluated: 2023-11-16. Review status: criteria provided, single submitter. Criteria: Invitae Variant Classification Sherloc (09022015). Collection method: clinical testing. Allele origin: germline.
Comment: This sequence change results in a frameshift in the COQ8A gene (p.Arg598Profs*132). While this is not anticipated to result in nonsense mediated decay, it is expected to disrupt the last 50 amino acid(s) of the COQ8A protein and extend the protein by 81 additional amino acid residues. This variant is not present in population databases (gnomAD no frequency). This variant has not been reported in the literature in individuals affected with COQ8A-related conditions. This variant disrupts a region of the COQ8A protein in which other variant(s) (p.Ser608Phe) have been determined to be pathogenic (PMID: 30968303). This suggests that this is a clinically significant region of the protein, and that variants that disrupt it are likely to be disease-causing. For these reasons, this variant has been classified as Pathogenic.

Literature cited by the submitters: PubMed 30968303 (cited by Labcorp Genetics (formerly Invitae), Labcorp).